The following is an entry in ClinVar:

ClinVar aggregate classification (germline): Uncertain significance (1 of 4 stars; one submission).

Conditions:
Marfan syndrome (MFS). Also called: MARFAN SYNDROME, TYPE I; Marfan syndrome type 1; Marfan's syndrome; Marfan syndrome, classic; FBN1-Related Marfan Syndrome. Identifiers: Orphanet 284963, Orphanet 558, MedGen C0024796, MONDO:0007947, OMIM 154700.
Familial thoracic aortic aneurysm and aortic dissection (TAAD). Also called: Thoracic aortic aneurysms and dissections. Identifiers: Orphanet 91387, MedGen C4707243, MONDO:0019625.

Allele frequency attached by ClinVar (database versions not stated): ExAC 0.00001; gnomAD exomes below 0.00001.

Submission:

Labcorp Genetics (formerly Invitae), Labcorp
Classification: Uncertain significance for Marfan syndrome; Familial thoracic aortic aneurysm and aortic dissection. Last evaluated: 2024-02-24. Review status: criteria provided, single submitter. Criteria: Invitae Variant Classification Sherloc (09022015). Collection method: clinical testing. Allele origin: germline.
Comment: This sequence change replaces glutamine, which is neutral and polar, with arginine, which is basic and polar, at codon 147 of the FBN1 protein (p.Gln147Arg). This variant is present in population databases (rs747815650, gnomAD 0.003%). This variant has not been reported in the literature in individuals affected with FBN1-related conditions. ClinVar contains an entry for this variant (Variation ID: 1473835). An algorithm developed to predict the effect of missense changes on protein structure and function (PolyPhen-2) suggests that this variant is likely to be tolerated. In summary, the available evidence is currently insufficient to determine the role of this variant in disease. Therefore, it has been classified as a Variant of Uncertain Significance.

NM_000138.5(FBN1):c.440A>G (p.Gln147Arg)

Gene: FBN1 (fibrillin 1; minus strand). Cytogenetic location: 15q21.1.
Variant type: single nucleotide variant.
Coding change: c.440A>G on transcript NM_000138.5 (MANE Select); coding-DNA position 440, A replaced by G.
Protein change: p.Gln147Arg; replaces glutamine 147 with arginine.
Molecular consequence: missense variant.
Genome position (GRCh38, 1-based): chr15:48,600,141, T>C on the plus strand (A>G on the coding strand, the complement: FBN1 is on the minus strand). VCF-style: chr15-48600141-T-C. GRCh37 (hg19) VCF-style: chr15-48892338-T-C.
Other names: short protein forms Q147R.
Identifiers: ClinVar variation 1473835 (VCV001473835.8), dbSNP rs747815650, ClinGen allele CA052790.